The following is an entry in ClinVar:

ClinVar aggregate classification (germline): Uncertain significance (1 of 4 stars; one submission).

Submission:

Ambry Genetics
Classification: Uncertain significance. Last evaluated: 2025-05-24. Review status: criteria provided, single submitter. Criteria: Ambry Variant Classification Scheme 2023. Collection method: clinical testing. Allele origin: germline.
Comment: The p.A485T variant (also known as c.1453G>A), located in coding exon 15 of the SRP72 gene, results from a G to A substitution at nucleotide position 1453. The alanine at codon 485 is replaced by threonine, an amino acid with similar properties. This amino acid position is conserved. In addition, this alteration is predicted to be deleterious by in silico analysis. Based on the available evidence, the clinical significance of this variant remains unclear.

NM_006947.4(SRP72):c.1453G>A (p.Ala485Thr)

Gene: SRP72 (signal recognition particle 72; plus strand). Cytogenetic location: 4q12.
Variant type: single nucleotide variant.
Coding change: c.1453G>A on transcript NM_006947.4 (MANE Select); coding-DNA position 1453, G replaced by A.
Protein change: p.Ala485Thr; replaces alanine 485 with threonine.
Molecular consequence: missense variant. On other transcripts: non-coding transcript variant (1).
Genome position (GRCh38, 1-based): chr4:56,490,596, G>A. VCF-style: chr4-56490596-G-A. GRCh37 (hg19) VCF-style: chr4-57356762-G-A.
Other names: c.1270G>A, p.Ala424Thr (NM_001267722.2); short protein forms A485T, A424T.
Identifiers: ClinVar variation 3962123 (VCV003962123.1).